The following is an entry in ClinVar:

NM_020884.7(MYH7B):c.4586G>A (p.Ser1529Asn)

Gene: MYH7B (myosin heavy chain 7B; plus strand). Cytogenetic location: 20q11.22.
Variant type: single nucleotide variant.
Coding change: c.4586G>A on transcript NM_020884.7 (MANE Select); coding-DNA position 4586, G replaced by A.
Protein change: p.Ser1529Asn; replaces serine 1529 with asparagine.
Molecular consequence: missense variant.
Genome position (GRCh38, 1-based): chr20:34,999,616, G>A. VCF-style: chr20-34999616-G-A. GRCh37 (hg19) VCF-style: chr20-33587419-G-A.
Other names: short protein forms S1529N.
Identifiers: ClinVar variation 1942388 (VCV001942388.5), dbSNP rs1325970493, ClinGen allele CA408715868.

ClinVar aggregate classification (germline): Uncertain significance (1 of 4 stars; one submission).

Allele frequency attached by ClinVar (database versions not stated): gnomAD exomes below 0.00001; TOPMed below 0.00001.
gnomAD v4.1: 3 of 1,613,620 alleles (0.00019%); highest among the groups gnomAD compares: Non-Finnish European, 0.00025%; no homozygotes.

Submission:

Labcorp Genetics (formerly Invitae), Labcorp
Classification: Uncertain significance. Last evaluated: 2022-07-14. Review status: criteria provided, single submitter. Criteria: Invitae Variant Classification Sherloc (09022015). Collection method: clinical testing. Allele origin: germline.
Comment: This sequence change replaces serine, which is neutral and polar, with asparagine, which is neutral and polar, at codon 1571 of the MYH7B protein (p.Ser1571Asn). This variant is not present in population databases (gnomAD no frequency). This variant has not been reported in the literature in individuals affected with MYH7B-related conditions. Algorithms developed to predict the effect of missense changes on protein structure and function output the following: SIFT: "Tolerated"; PolyPhen-2: "Benign"; Align-GVGD: "Class C0". The asparagine amino acid residue is found in multiple mammalian species, which suggests that this missense change does not adversely affect protein function. In summary, the available evidence is currently insufficient to determine the role of this variant in disease. Therefore, it has been classified as a Variant of Uncertain Significance.